The following is an entry in ClinVar:

ClinVar aggregate classification (germline): Benign. Review status: criteria provided, multiple submitters, no conflicts (2 of 4 stars). 4 submissions from 4 submitters: Benign (4). Last evaluated 2026-01-27.

Conditions:
Retinitis pigmentosa (RP). Identifiers: Orphanet 791, MedGen C0035334, MeSH D012174, MONDO:0019200, OMIM 268000. Inheritance: Autosomal dominant, autosomal recessive and X linked inheritance.
Retinitis pigmentosa 13 (RP13). Also called: PRPF 8-Related Retinitis Pigmentosa. Identifiers: Orphanet 791, MedGen C1838702, MONDO:0010806, OMIM 600059.

Allele frequency attached by ClinVar (database versions not stated): TOPMed 0.01528; ESP Exome Variant Server 0.01692; 1000 Genomes Project 0.01178; 1000 Genomes Project 30x 0.01265.

Submissions (4):

Labcorp Genetics (formerly Invitae), Labcorp
Classification: Benign. Last evaluated: 2026-01-27. Review status: criteria provided, single submitter. Criteria: Invitae Variant Classification Sherloc (09022015). Collection method: clinical testing. Allele origin: germline.

ARUP Laboratories, Molecular Genetics and Genomics, ARUP Laboratories
Classification: Benign for Retinitis pigmentosa 13. Last evaluated: 2023-09-21. Review status: criteria provided, single submitter. Criteria: ARUP Molecular Germline Variant Investigation Process 2024. Collection method: clinical testing. Allele origin: germline.

Illumina Laboratory Services, Illumina
Classification: Benign for Retinitis pigmentosa. Last evaluated: 2018-01-13. Review status: criteria provided, single submitter. Criteria: ICSL Variant Classification Criteria 13 December 2019. Collection method: clinical testing. Allele origin: germline.
Comment: This variant was observed in the ICSL laboratory as part of a predisposition screen in an ostensibly healthy population. It had not been previously curated by ICSL or reported in the Human Gene Mutation Database (HGMD: prior to June 1st, 2018), and was therefore a candidate for classification through an automated scoring system. Utilizing variant allele frequency, disease prevalence and penetrance estimates, and inheritance mode, an automated score was calculated to assess if this variant is too frequent to cause the disease. Based on the score and internal cut-off values, a variant classified as benign is not then subjected to further curation. The score for this variant resulted in a classification of benign for this disease.

Breakthrough Genomics
Classification: Benign. Review status: criteria provided, single submitter. Criteria: ACMG Guidelines, 2015. Collection method: not provided. Allele origin: germline. Inheritance: Autosomal dominant inheritance. Affected: yes.

NM_006445.4(PRPF8):c.6854-4G>A

Gene: PRPF8 (pre-mRNA processing factor 8; minus strand). Cytogenetic location: 17p13.3.
Variant type: single nucleotide variant.
Coding change: c.6854-4G>A on transcript NM_006445.4 (MANE Select); 4 bases into the intron before coding-DNA position 6854, G replaced by A.
Molecular consequence: intron variant.
Genome position (GRCh38, 1-based): chr17:1,650,960, C>T on the plus strand (G>A on the coding strand, the complement: PRPF8 is on the minus strand). VCF-style: chr17-1650960-C-T. GRCh37 (hg19) VCF-style: chr17-1554254-C-T.
Identifiers: ClinVar variation 321870 (VCV000321870.24), dbSNP rs75996323, ClinGen allele CA8271064.